The following is an entry in ClinVar:

NM_033641.4(COL4A6):c.3455T>C (p.Ile1152Thr)

Gene: COL4A6 (collagen type IV alpha 6 chain; minus strand). Cytogenetic location: Xq22.3.
Variant type: single nucleotide variant.
Coding change: c.3455T>C on transcript NM_033641.4 (MANE Select); coding-DNA position 3455, T replaced by C.
Protein change: p.Ile1152Thr; replaces isoleucine 1152 with threonine.
Molecular consequence: missense variant.
Genome position (GRCh38, 1-based): chrX:108,170,647, A>G on the plus strand (T>C on the coding strand, the complement: COL4A6 is on the minus strand). VCF-style: chrX-108170647-A-G. GRCh37 (hg19) VCF-style: chrX-107413877-A-G.
Other names: c.3458T>C (NM_001847.3); c.3506T>C, p.Ile1169Thr (NM_001287758.2); c.3455T>C, p.Ile1152Thr (NM_001287759.2, NM_001287760.2); c.3458T>C, p.Ile1153Thr (NM_001847.4); short protein forms I1152T, I1153T, I1169T.
Identifiers: ClinVar variation 1315713 (VCV001315713.11), dbSNP rs201355021, ClinGen allele CA10487418.
Genomic context (GRCh38, chrX:108,170,647, plus strand): 5'-GCCTGCTCCCAAATACACATACCTTTGGGTCCTATTAATCCGGGGGATCCTAGAGGCCCA[A>G]TTGCCCCTTGGTGACCAGAAGAACCTGGAAGTCCTGGTTCTCCTCTCATGCCGGCAACTC-3'
Protein context (NP_378667.1, residues 1142-1162): LPGSSGHQGA[Ile1152Thr]GPLGSPGLIG

ClinVar aggregate classification (germline): Conflicting classifications of pathogenicity. Review status: criteria provided, conflicting classifications (1 of 4 stars). 5 submissions from 5 submitters: Uncertain significance (2); Likely benign (3). Last evaluated 2026-03-25.

Conditions:
COL4A6-related disorder. Also called: COL4A6-related condition.

Allele frequency attached by ClinVar (database versions not stated): ExAC 0.00008; ESP Exome Variant Server 0.00009; gnomAD exomes 0.00011 and 0.00029; TOPMed 0.00017; gnomAD 0.00021 and 0.00022.
gnomAD v4.1: 340 of 1,204,100 alleles (0.028%); highest among the groups gnomAD compares: Non-Finnish European, 0.036%; no homozygotes.

Submissions (5):

Women's Health and Genetics/Laboratory Corporation of America, LabCorp
Classification: Uncertain significance. Last evaluated: 2026-03-25. Review status: criteria provided, single submitter. Criteria: LabCorp Variant Classification Summary - May 2015. Collection method: clinical testing. Allele origin: germline.
Comment: Variant summary: COL4A6 c.3458T>C (p.Ile1153Thr) results in a non-conservative amino acid change in the encoded protein sequence. Algorithms developed to predict the effect of missense changes on protein structure and function are either unavailable or do not agree on the potential impact of this missense change. The variant allele was found at a frequency of 0.00011 in 175125 control chromosomes. This frequency is not significantly higher than estimated for disease-causing variants in COL4A6, allowing no conclusion about variant significance. To our knowledge, no occurrence of c.3458T>C in individuals affected with COL4A6-related conditions and no experimental evidence demonstrating its impact on protein function have been reported. ClinVar contains an entry for this variant (Variation ID: 1315713). Based on the evidence outlined above, the variant was classified as uncertain significance.

Labcorp Genetics (formerly Invitae), Labcorp
Classification: Uncertain significance. Last evaluated: 2025-11-23. Review status: criteria provided, single submitter. Criteria: Invitae Variant Classification Sherloc (09022015). Collection method: clinical testing. Allele origin: germline.
Comment: This sequence change replaces isoleucine, which is neutral and non-polar, with threonine, which is neutral and polar, at codon 1153 of the COL4A6 protein (p.Ile1153Thr). This variant is present in population databases (rs201355021, gnomAD 0.03%), and has an allele count higher than expected for a pathogenic variant. This variant has not been reported in the literature in individuals affected with COL4A6-related conditions. ClinVar contains an entry for this variant (Variation ID: 1315713). Invitae Evidence Modeling of protein sequence and biophysical properties (such as structural, functional, and spatial information, amino acid conservation, physicochemical variation, residue mobility, and thermodynamic stability) indicates that this missense variant is not expected to disrupt COL4A6 protein function with a negative predictive value of 80%. In summary, the available evidence is currently insufficient to determine the role of this variant in disease. Therefore, it has been classified as a Variant of Uncertain Significance.

PreventionGenetics, part of Exact Sciences
Classification: Likely benign for COL4A6-related condition. Last evaluated: 2025-11-07. Review status: criteria provided, single submitter. Criteria: ACMG Guidelines, 2015. Collection method: clinical testing. Allele origin: germline.
Comment: This variant is classified as likely benign based on ACMG/AMP sequence variant interpretation guidelines (Richards et al. 2015 PMID: 25741868, with internal and published modifications).

Blueprint Genetics
Classification: Likely benign. Last evaluated: 2022-08-03. Review status: criteria provided, single submitter. Criteria: ACMG Guidelines, 2015. Collection method: clinical testing. Allele origin: germline.

GeneDx
Classification: Likely benign. Last evaluated: 2020-11-05. Review status: criteria provided, single submitter. Criteria: GeneDx Variant Classification Process June 2021. Collection method: clinical testing. Allele origin: germline. Affected: yes.
Comment: This variant is associated with the following publications: (PMID: 31981491)